The following is an entry in ClinVar:

ClinVar aggregate classification (germline): Uncertain significance. Review status: criteria provided, multiple submitters, no conflicts (2 of 4 stars). 2 submissions from 2 submitters: Uncertain significance (2). Last evaluated 2025-10-13.

Conditions:
Charcot-Marie-Tooth disease type 4. Also called: Charcot-Marie-Tooth, Type 4; Charcot-Marie-Tooth disease, type IV. Identifiers: Orphanet 64749, MedGen C4082197, MONDO:0018995.

Allele frequency attached by ClinVar (database versions not stated): ExAC 0.00001; gnomAD exomes 0.00001 and 0.00002; gnomAD 0.00005; TOPMed 0.00005; ESP Exome Variant Server 0.00023.
gnomAD v4.1: 10 of 1,614,134 alleles (0.00062%); highest among the groups gnomAD compares: African/African-American, 0.013%; no homozygotes.

Submissions (2):

Labcorp Genetics (formerly Invitae), Labcorp
Classification: Uncertain significance for Charcot-Marie-Tooth disease type 4. Last evaluated: 2025-10-13. Review status: criteria provided, single submitter. Criteria: Invitae Variant Classification Sherloc (09022015). Collection method: clinical testing. Allele origin: germline.
Comment: This sequence change replaces glutamine, which is neutral and polar, with arginine, which is basic and polar, at codon 333 of the FGD4 protein (p.Gln333Arg). This variant is present in population databases (rs200149526, gnomAD 0.03%). This variant has not been reported in the literature in individuals affected with FGD4-related conditions. ClinVar contains an entry for this variant (Variation ID: 447323). Invitae Evidence Modeling of protein sequence and biophysical properties (such as structural, functional, and spatial information, amino acid conservation, physicochemical variation, residue mobility, and thermodynamic stability) indicates that this missense variant is not expected to disrupt FGD4 protein function with a negative predictive value of 80%. In summary, the available evidence is currently insufficient to determine the role of this variant in disease. Therefore, it has been classified as a Variant of Uncertain Significance.

Athena Diagnostics
Classification: Uncertain significance. Last evaluated: 2017-05-19. Review status: criteria provided, single submitter. Criteria: Athena Diagnostics Criteria. Collection method: clinical testing. Allele origin: germline.

NM_001370298.3(FGD4):c.1409A>G (p.Gln470Arg)

Gene: FGD4 (FYVE, RhoGEF and PH domain containing 4; plus strand). Cytogenetic location: 12p11.21.
Variant type: single nucleotide variant.
Coding change: c.1409A>G on transcript NM_001370298.3 (MANE Select); coding-DNA position 1409, A replaced by G.
Protein change: p.Gln470Arg; replaces glutamine 470 with arginine.
Molecular consequence: missense variant. On other transcripts: 5 prime UTR variant (1).
Genome position (GRCh38, 1-based): chr12:32,607,961, A>G. VCF-style: chr12-32607961-A-G. GRCh37 (hg19) VCF-style: chr12-32760895-A-G.
Other names: c.1253A>G, p.Gln418Arg (NM_001304481.2); c.254A>G, p.Gln85Arg (NM_001304483.2); c.-35A>G (NM_001304484.2); c.719A>G, p.Gln240Arg (NM_001330373.2, NM_001330374.2, NM_001384130.1); c.446A>G, p.Gln149Arg (NM_001370297.1); c.1409A>G, p.Gln470Arg (NM_001384126.1); c.998A>G, p.Gln333Arg (NM_001384127.1, NM_001384128.1, NM_001385118.1 and 1 more transcripts); short protein forms Q333R, Q418R, Q85R, Q240R, Q149R, Q470R.
Identifiers: ClinVar variation 447323 (VCV000447323.5), dbSNP rs200149526, ClinGen allele CA6506780.